The following is an entry in ClinVar:

ClinVar aggregate classification (germline): Likely benign (1 of 4 stars; one submission).

Submission:

CeGaT Center for Human Genetics Tuebingen
Classification: Likely benign. Last evaluated: 2026-08-01. Review status: criteria provided, single submitter. Criteria: CeGaT Center For Human Genetics Tuebingen Variant Classification Criteria Version 2. Collection method: clinical testing. Allele origin: germline. Affected: yes. Observed: 1 variant allele.
Comment: SRRM2: BS1

NM_016333.4(SRRM2):c.3428C>T (p.Ser1143Phe)

Gene: SRRM2 (serine/arginine repetitive matrix 2; plus strand). Cytogenetic location: 16p13.3.
Variant type: single nucleotide variant.
Coding change: c.3428C>T on transcript NM_016333.4 (MANE Select); coding-DNA position 3428, C replaced by T.
Protein change: p.Ser1143Phe; replaces serine 1143 with phenylalanine.
Molecular consequence: missense variant.
Genome position (GRCh38, 1-based): chr16:2,763,956, C>T. VCF-style: chr16-2763956-C-T. GRCh37 (hg19) VCF-style: chr16-2813957-C-T.
Other names: short protein forms S1143F.
Identifiers: ClinVar variation 5038627 (VCV005038627.1).